The following is an entry in ClinVar:

NM_001256071.3(RNF213):c.13640+5G>T

Genes: RNF213 (ring finger protein 213; plus strand), RNF213-AS1 (RNF213 antisense RNA 1; minus strand). Cytogenetic location: 17q25.3.
Variant type: single nucleotide variant.
Coding change: c.13640+5G>T on transcript NM_001256071.3 (MANE Select); 5 bases into the intron after coding-DNA position 13640, G replaced by T.
Molecular consequence: intron variant.
Genome position (GRCh38, 1-based): chr17:80,379,719, G>T. VCF-style: chr17-80379719-G-T. GRCh37 (hg19) VCF-style: chr17-78353519-G-T.
Other names: c.13787+5G>T (NM_020914.5, NM_001410195.1).
Identifiers: ClinVar variation 4528050 (VCV004528050.1).

ClinVar aggregate classification (germline): Uncertain significance (1 of 4 stars; one submission).

Submission:

GeneDx
Classification: Uncertain significance. Last evaluated: 2025-05-07. Review status: criteria provided, single submitter. Criteria: GeneDx Variant Classification Process June 2021. Collection method: clinical testing. Allele origin: germline. Affected: yes.
Comment: Not observed at significant frequency in large population cohorts (gnomAD); In silico analysis supports a deleterious effect on splicing; Has not been previously published as pathogenic or benign to our knowledge